The following is an entry in ClinVar:

ClinVar aggregate classification (germline): Conflicting classifications of pathogenicity. Review status: criteria provided, conflicting classifications (1 of 4 stars). 4 submissions from 4 submitters: Uncertain significance (3); Likely benign (1). Last evaluated 2026-08-17.

Conditions:
ADGRV1-related disorder. Also called: ADGRV1-related disorders; ADGRV1-related condition.
Inborn genetic diseases. Identifiers: MedGen C0950123, MeSH D030342.

Allele frequency attached by ClinVar (database versions not stated): gnomAD exomes below 0.00001 and 0.00002; ExAC 0.00002; gnomAD 0.00006; TOPMed 0.00007; ESP Exome Variant Server 0.00034.
gnomAD v4.1: 12 of 1,613,068 alleles (0.00074%); highest among the groups gnomAD compares: African/African-American, 0.015%; no homozygotes.

Submissions (4):

PreventionGenetics, part of Exact Sciences
Classification: Uncertain significance for ADGRV1-related condition. Last evaluated: 2026-08-17. Review status: criteria provided, single submitter. Criteria: ACMG Guidelines, 2015. Collection method: clinical testing. Allele origin: germline.
Comment: The ADGRV1 c.6521T>C variant is predicted to result in the amino acid substitution p.Val2174Ala. To our knowledge, this variant has not been reported in the literature. This variant is present in 0.025% of alleles in individuals of African descent in gnomAD. At this time, the clinical significance of this variant is uncertain due to the absence of conclusive functional and genetic evidence.

Ambry Genetics
Classification: Uncertain significance for Inborn genetic diseases. Last evaluated: 2025-05-15. Review status: criteria provided, single submitter. Criteria: Ambry Variant Classification Scheme 2023. Collection method: clinical testing. Allele origin: germline.

Labcorp Genetics (formerly Invitae), Labcorp
Classification: Likely benign. Last evaluated: 2024-01-31. Review status: criteria provided, single submitter. Criteria: Invitae Variant Classification Sherloc (09022015). Collection method: clinical testing. Allele origin: germline.

Blueprint Genetics
Classification: Uncertain significance. Last evaluated: 2021-11-09. Review status: criteria provided, single submitter. Criteria: ACMG Guidelines, 2015. Collection method: clinical testing. Allele origin: germline.

NM_032119.4(ADGRV1):c.6521T>C (p.Val2174Ala)

Gene: ADGRV1 (adhesion G protein-coupled receptor V1; plus strand). Cytogenetic location: 5q14.3.
Variant type: single nucleotide variant.
Coding change: c.6521T>C on transcript NM_032119.4 (MANE Select); coding-DNA position 6521, T replaced by C.
Protein change: p.Val2174Ala; replaces valine 2174 with alanine.
Molecular consequence: missense variant. On other transcripts: non-coding transcript variant (1).
Genome position (GRCh38, 1-based): chr5:90,689,891, T>C. VCF-style: chr5-90689891-T-C. GRCh37 (hg19) VCF-style: chr5-89985708-T-C.
Other names: short protein forms V2174A.
Identifiers: ClinVar variation 958201 (VCV000958201.12), dbSNP rs368228246, ClinGen allele CA3339819.